The following is an entry in ClinVar:

ClinVar aggregate classification (germline): Uncertain significance (1 of 4 stars; one submission).

Conditions:
Long QT syndrome (LQTS). Identifiers: MedGen C0023976, MeSH D008133, MONDO:0002442. Disease mechanism: loss of function. Inheritance: Various modes of inheritance.

Allele frequency attached by ClinVar (database versions not stated): gnomAD exomes below 0.00001.
gnomAD v4.1: 1 of 1,609,878 alleles (0.000062%); highest among the groups gnomAD compares: Non-Finnish European, 0.000085%; no homozygotes.

Submission:

Labcorp Genetics (formerly Invitae), Labcorp
Classification: Uncertain significance for Long QT syndrome. Last evaluated: 2023-11-21. Review status: criteria provided, single submitter. Criteria: Invitae Variant Classification Sherloc (09022015). Collection method: clinical testing. Allele origin: germline.
Comment: This sequence change creates a premature translational stop signal (p.Leu1384*) in the AKAP9 gene. It is expected to result in an absent or disrupted protein product. However, the current clinical and genetic evidence is not sufficient to establish whether loss-of-function variants in AKAP9 cause disease. This variant is not present in population databases (gnomAD no frequency). This variant has not been reported in the literature in individuals affected with AKAP9-related conditions. In summary, the available evidence is currently insufficient to determine the role of this variant in disease. Therefore, it has been classified as a Variant of Uncertain Significance.

NM_005751.5(AKAP9):c.4151T>A (p.Leu1384Ter)

Gene: AKAP9 (A-kinase anchoring protein 9; plus strand). Cytogenetic location: 7q21.2.
Variant type: single nucleotide variant.
Coding change: c.4151T>A on transcript NM_005751.5 (MANE Select); coding-DNA position 4151, T replaced by A.
Protein change: p.Leu1384Ter; replaces leucine 1384 with a stop codon.
Molecular consequence: nonsense.
Genome position (GRCh38, 1-based): chr7:92,029,897, T>A. VCF-style: chr7-92029897-T-A. GRCh37 (hg19) VCF-style: chr7-91659211-T-A.
Other names: c.4151T>A, p.Leu1384Ter (NM_147185.3); short protein forms L1384*.
Identifiers: ClinVar variation 2697922 (VCV002697922.3), dbSNP rs2484780531, ClinGen allele CA368128096.